The following is an entry in ClinVar:

NM_000170.3(GLDC):c.2729C>A (p.Ser910Ter)

Gene: GLDC (glycine decarboxylase; minus strand). Cytogenetic location: 9p24.1.
Variant type: single nucleotide variant.
Coding change: c.2729C>A on transcript NM_000170.3 (MANE Select); coding-DNA position 2729, C replaced by A.
Protein change: p.Ser910Ter; replaces serine 910 with a stop codon.
Molecular consequence: nonsense.
Genome position (GRCh38, 1-based): chr9:6,536,173, G>T on the plus strand (C>A on the coding strand, the complement: GLDC is on the minus strand). VCF-style: chr9-6536173-G-T. GRCh37 (hg19) VCF-style: chr9-6536173-G-T.
Other names: short protein forms S910*.
Identifiers: ClinVar variation 983745 (VCV000983745.3), dbSNP rs759933539, ClinGen allele CA372882782.

ClinVar aggregate classification (germline): Likely pathogenic (1 of 4 stars; one submission).

Conditions:
Glycine encephalopathy. Also called: Non-ketotic hyperglycinemia; Nonketotic hyperglycinemia. Identifiers: Orphanet 407, MedGen C0751748, MONDO:0011612, HP:0008288.

Submission:

Myriad Genetics, Inc.
Classification: Likely pathogenic for Glycine encephalopathy 1. Last evaluated: 2019-09-26. Review status: criteria provided, single submitter. Criteria: Myriad Women's Health Autosomal Recessive and X-Linked Classification Criteria (2019). Collection method: clinical testing. Allele origin: unknown.
Comment: NM_000170.2(GLDC):c.2729C>A(S910*) is expected to be pathogenic in the context of GLDC-related glycine encephalopathy. This variant is predicted to lead to an abnormal or absent protein product due to the creation of a premature termination codon in GLDC, a gene where loss-of-function variants are known to be pathogenic. Please note: this variant was assessed in the context of healthy population screening.